The following is an entry in ClinVar:

NM_001370259.2(MEN1):c.237C>T (p.Pro79=)

Gene: MEN1 (menin 1; minus strand). Cytogenetic location: 11q13.1.
Variant type: single nucleotide variant.
Coding change: c.237C>T on transcript NM_001370259.2 (MANE Select); coding-DNA position 237, C replaced by T.
Protein change: p.Pro79=; no amino-acid change (proline 79 retained).
Molecular consequence: synonymous variant.
Genome position (GRCh38, 1-based): chr11:64,809,873, G>A on the plus strand (C>T on the coding strand, the complement: MEN1 is on the minus strand). VCF-style: chr11-64809873-G-A. GRCh37 (hg19) VCF-style: chr11-64577345-G-A.
Other names: c.237C>T, p.Pro79= (NM_000244.4, NM_001370251.2, NM_001370260.2 and 9 more transcripts); c.237C>T (NM_000244.3).
Identifiers: ClinVar variation 821170 (VCV000821170.15), dbSNP rs1592659200, ClinGen allele CA475163779.

ClinVar aggregate classification (germline): Benign/Likely benign. Review status: criteria provided, multiple submitters, no conflicts (2 of 4 stars). 4 submissions from 4 submitters: Benign (1); Likely benign (2). 1 of the submissions does not count toward it. Last evaluated 2026-01-10.

Conditions:
MEN1-related disorder. Also called: MEN1-related condition.
Hereditary cancer-predisposing syndrome. Also called: Hereditary Cancer Syndrome; Neoplastic Syndromes, Hereditary; Hereditary neoplastic syndrome; Tumor predisposition. Identifiers: Orphanet 140162, MedGen C0027672, MeSH D009386, MONDO:0015356.
Multiple endocrine neoplasia, type 1 (MEN1). Also called: MEN I; WERMER SYNDROME; Endocrine adenomatosis multiple; MEN 1; MEA I. Identifiers: Orphanet 652, MedGen C0025267, MeSH D018761, MONDO:0007540, OMIM 131100.

Allele frequency attached by ClinVar (database versions not stated): gnomAD exomes below 0.00001.
gnomAD v4.1: 1 of 1,605,798 alleles (0.000062%); highest among the groups gnomAD compares: African/African-American, 0.0013%; no homozygotes.

Submissions (4):

Labcorp Genetics (formerly Invitae), Labcorp
Classification: Likely benign for Multiple endocrine neoplasia, type 1. Last evaluated: 2026-01-10. Review status: criteria provided, single submitter. Criteria: Invitae Variant Classification Sherloc (09022015). Collection method: clinical testing. Allele origin: germline.

Myriad Genetics, Inc.
Classification: Benign for Multiple endocrine neoplasia, type 1. Last evaluated: 2024-10-31. Review status: criteria provided, single submitter. Criteria: Myriad Autosomal Dominant, Autosomal Recessive and X-Linked Classification Criteria (2023). Collection method: clinical testing. Allele origin: unknown.
Comment: This variant is considered benign. This variant is a silent/synonymous amino acid change and it is not expected to impact splicing.

Ambry Genetics
Classification: Likely benign for Hereditary cancer-predisposing syndrome. Last evaluated: 2019-06-12. Review status: criteria provided, single submitter. Criteria: Ambry Variant Classification Scheme 2023. Collection method: clinical testing. Allele origin: germline.

PreventionGenetics, part of Exact Sciences
Classification: Likely benign for MEN1-related condition. Last evaluated: 2023-02-24. Review status: no assertion criteria provided. Collection method: clinical testing. Allele origin: germline. Not counted in ClinVar's aggregate classification.
Comment: This variant is classified as likely benign based on ACMG/AMP sequence variant interpretation guidelines (Richards et al. 2015 PMID: 25741868, with internal and published modifications).